The following is an entry in ClinVar:

NM_001005361.3(DNM2):c.1757T>G (p.Phe586Cys)

Gene: DNM2 (dynamin 2; plus strand). Cytogenetic location: 19p13.2.
Variant type: single nucleotide variant.
Coding change: c.1757T>G on transcript NM_001005361.3 (MANE Select); coding-DNA position 1757, T replaced by G.
Protein change: p.Phe586Cys; replaces phenylalanine 586 with cysteine.
Molecular consequence: missense variant.
Genome position (GRCh38, 1-based): chr19:10,820,065, T>G. VCF-style: chr19-10820065-T-G. GRCh37 (hg19) VCF-style: chr19-10930741-T-G.
Other names: c.1757T>G, p.Phe586Cys (NM_001005360.3, NM_001190716.2); c.1745T>G, p.Phe582Cys (NM_001005362.3, NM_004945.4); short protein forms F582C, F586C.
Identifiers: ClinVar variation 3642427 (VCV003642427.2).

ClinVar aggregate classification (germline): Uncertain significance (1 of 4 stars; one submission).

Conditions:
Charcot-Marie-Tooth disease dominant intermediate B (CMTDIB). Also called: CHARCOT-MARIE-TOOTH NEUROPATHY, DOMINANT INTERMEDIATE B; Charcot-Marie-Tooth disease dominant intermediate 1; CMT DI1; Charcot-Marie-Tooth disease dominant intermediate I. Identifiers: Orphanet 100044, Orphanet 228179, MedGen C1847902, MONDO:0011674, OMIM 606482.

Submission:

Labcorp Genetics (formerly Invitae), Labcorp
Classification: Uncertain significance for Charcot-Marie-Tooth disease dominant intermediate B. Last evaluated: 2024-02-22. Review status: criteria provided, single submitter. Criteria: Invitae Variant Classification Sherloc (09022015). Collection method: clinical testing. Allele origin: germline.
Comment: This sequence change replaces phenylalanine, which is neutral and non-polar, with cysteine, which is neutral and slightly polar, at codon 586 of the DNM2 protein (p.Phe586Cys). This variant is not present in population databases (gnomAD no frequency). This variant has not been reported in the literature in individuals affected with DNM2-related conditions. Advanced modeling of protein sequence and biophysical properties (such as structural, functional, and spatial information, amino acid conservation, physicochemical variation, residue mobility, and thermodynamic stability) has been performed at Invitae for this missense variant, however the output from this modeling did not meet the statistical confidence thresholds required to predict the impact of this variant on DNM2 protein function. In summary, the available evidence is currently insufficient to determine the role of this variant in disease. Therefore, it has been classified as a Variant of Uncertain Significance.